The following is an entry in ClinVar:

NM_144997.7(FLCN):c.1723_1729delinsCCACAGC (p.Ser575_Ser577delinsProGlnPro)

Gene: FLCN (folliculin; minus strand). Cytogenetic location: 17p11.2.
Variant type: Indel.
Coding change: c.1723_1729delinsCCACAGC on transcript NM_144997.7 (MANE Select); coding-DNA positions 1723 to 1729, TCGGAGT replaced by CCACAGC.
Protein change: p.Ser575_Ser577delinsProGlnPro.
Molecular consequence: missense variant.
Genome position (GRCh38, 1-based): chr17:17,213,666-17,213,672, ACTCCGA replaced by GCTGTGG on the plus strand (TCGGAGT replaced by CCACAGC on the coding strand, the reverse complement: FLCN is on the minus strand). VCF-style: chr17-17213666-ACTCCGA-GCTGTGG. GRCh37 (hg19) VCF-style: chr17-17116980-ACTCCGA-GCTGTGG.
Other names: c.1777_1783delinsCCACAGC, p.Ser593_Ser595delinsProGlnPro (NM_001353229.2); c.1723_1729delinsCCACAGC, p.Ser575_Ser577delinsProGlnPro (NM_001353230.2, NM_001353231.2).
Identifiers: ClinVar variation 3229239 (VCV003229239.1), dbSNP rs2544120881, ClinGen allele CA2825002467.
Genomic context (GRCh38, chr17:17,213,666, plus strand): 5'-GGATCCTGTGGACAGCCATCCCTGTCTTTAGGCAGGTGTGTGTGACGGGTCAGTTCCGAG[ACTCCGA>GCTGTGG]GGCTGTGGGGCTGCGGACCGTGGACATGAGGTGTGACTTGTAGGTCTTGCTCAGGCCAGT-3'

ClinVar aggregate classification (germline): Uncertain significance (1 of 4 stars; one submission).

Conditions:
Hereditary cancer-predisposing syndrome. Also called: Neoplastic Syndromes, Hereditary; Tumor predisposition; Hereditary neoplastic syndrome; Hereditary Cancer Syndrome. Identifiers: Orphanet 140162, MedGen C0027672, MeSH D009386, MONDO:0015356.

Submission:

Ambry Genetics
Classification: Uncertain significance for Hereditary cancer-predisposing syndrome. Last evaluated: 2023-11-29. Review status: criteria provided, single submitter. Criteria: Ambry Variant Classification Scheme 2023. Collection method: clinical testing. Allele origin: germline.
Comment: The c.1723_1729delTCGGAGTinsCCACAGC variant (also known as p.S575_S577delinsPQP), located in coding exon 11 of the FLCN gene, results from an in-frame deletion of TCGGAGT and insertion of CCACAGC at nucleotide positions 1723 to 1729. This results in the substitution of proline, glutamine, and proline for the serine, glutamic acid, and serine residues at codons 575 to 577. These amino acid positions are not well conserved in available vertebrate species. In addition, this alteration is predicted to be neutral by in silico analysis (Choi Y et al. PLoS ONE. 2012; 7(10):e46688). Since supporting evidence is limited at this time, the clinical significance of this alteration remains unclear.